The following is an entry in ClinVar:

NM_007294.4(BRCA1):c.4038_4039del (p.Gly1348fs)

Genes: BRCA1 (BRCA1 DNA repair associated; minus strand), LOC126862571 (BRD4-independent group 4 enhancer GRCh37_chr17:41243136-41244335; plus strand). Cytogenetic location: 17q21.31.
Variant type: Deletion.
Coding change: c.4038_4039del on transcript NM_007294.4 (MANE Select); coding-DNA positions 4038 to 4039, 2 bases deleted (AA; older notation c.4038_4039delAA).
Protein change: p.Gly1348fs; shifts the reading frame from glycine 1348.
Molecular consequence: frameshift variant. On other transcripts: intron variant (135).
Genome position (GRCh38, 1-based): chr17:43,091,492-43,091,493, TT deleted on the plus strand (AA on the coding strand, the reverse complement: BRCA1 is on the minus strand); deleting any 2 consecutive bases within chr17:43,091,492-43,091,494 gives the same sequence; the c. name uses the placement nearest the transcript's 3' end. VCF-style (leftmost placement, unchanged base first): chr17-43091491-CTT-C. GRCh37 (hg19) VCF-style: chr17-41243508-CTT-C.
Other names: c.4038_4039delAA (NM_007294.3); c.4038_4039del, p.Gly1348fs (NM_001407642.1, NM_001407652.1, NM_001407684.1 and 30 more transcripts); c.4035_4036del, p.Gly1347fs (NM_001407644.1, NM_001407645.1, NM_001407860.1 and 22 more transcripts); c.4029_4030del, p.Gly1345fs (NM_001407646.1, NM_001407647.1); c.3915_3916del, p.Gly1307fs (NM_001407648.1, NM_001407664.1, NM_001407665.1 and 19 more transcripts); c.3912_3913del, p.Gly1306fs (NM_001407649.1, NM_001407670.1, NM_001407671.1 and 11 more transcripts); c.3960_3961del, p.Gly1322fs (NM_001407653.1, NM_001407654.1, NM_001407655.1 and 4 more transcripts); c.3957_3958del, p.Gly1321fs (NM_001407659.1, NM_001407660.1, NM_001407661.1 and 1 more transcripts); and 42 more; short protein forms G1348fs, G1301fs, G1306fs, G1345fs, G1220fs, G1221fs, G1236fs, G1278fs.
Identifiers: ClinVar variation 254451 (VCV000254451.4), dbSNP rs273900721, ClinGen allele CA002576.

ClinVar aggregate classification (germline): Pathogenic. Review status: reviewed by expert panel (3 of 4 stars). 2 submissions from 2 submitters: Pathogenic (1). 1 of the submissions does not count toward it. Last evaluated 2016-09-08.

Conditions:
Breast-ovarian cancer, familial, susceptibility to, 1 (BROVCA1). Also called: BRCA1 Hereditary Breast and Ovarian Cancer; OVARIAN CANCER, SUSCEPTIBILITY TO. Identifiers: Orphanet 145, MedGen C2676676, MONDO:0011450, OMIM 604370. Disease mechanism: loss of function.

Submissions (2):

Evidence-based Network for the Interpretation of Germline Mutant Alleles (ENIGMA)
Classification: Pathogenic for Breast-ovarian cancer, familial, susceptibility to, 1. Last evaluated: 2016-09-08. Review status: reviewed by expert panel. Criteria: ENIGMA BRCA1/2 Classification Criteria (2015). Collection method: curation. Allele origin: germline.
Comment: Variant allele predicted to encode a truncated non-functional protein.

Breast Cancer Information Core (BIC) (BRCA1)
Classification: Pathogenic for Breast-ovarian cancer, familial 1. Last evaluated: 2005-11-03. Review status: no assertion criteria provided. Collection method: clinical testing. Allele origin: germline. Affected: yes. Observed: 1 variant allele. Not counted in ClinVar's aggregate classification.